The following is an entry in ClinVar:

NM_004260.4(RECQL4):c.2362C>T (p.His788Tyr)

Gene: RECQL4 (RecQ like helicase 4; minus strand). Cytogenetic location: 8q24.3.
Variant type: single nucleotide variant.
Coding change: c.2362C>T on transcript NM_004260.4 (MANE Select); coding-DNA position 2362, C replaced by T.
Protein change: p.His788Tyr; replaces histidine 788 with tyrosine.
Molecular consequence: missense variant.
Genome position (GRCh38, 1-based): chr8:144,513,319, G>A on the plus strand (C>T on the coding strand, the complement: RECQL4 is on the minus strand). VCF-style: chr8-144513319-G-A. GRCh37 (hg19) VCF-style: chr8-145738702-G-A.
Other names: short protein forms H788Y.
Identifiers: ClinVar variation 579249 (VCV000579249.5), dbSNP rs773864273, ClinGen allele CA4948319.
Genomic context (GRCh38, chr8:144,513,319, plus strand): 5'-CACGCCCGGCCCGGCCCACGGCCTGCACGTAGCTCTCGAAGCTTGGGGGCAGCCCCAGAT[G>A]CAGCACAGCCCGCACATCTGGCCGGTCCAGCCCCATCCCAAAGGCCACCGTGGCCACCAC-3'
Protein context (NP_004251.4, residues 778-798): LDRPDVRAVL[His788Tyr]LGLPPSFESY

ClinVar aggregate classification (germline): Uncertain significance (1 of 4 stars; one submission).

Conditions:
Baller-Gerold syndrome (BGS). Also called: CRANIOSYNOSTOSIS WITH RADIAL DEFECTS. Identifiers: Orphanet 1225, MedGen C0265308, MONDO:0009039, OMIM 218600.

Allele frequency attached by ClinVar (database versions not stated): ExAC 0.00001.
gnomAD v4.1: 5 of 1,602,358 alleles (0.00031%); highest among the groups gnomAD compares: East Asian, 0.0022%; no homozygotes.

Submission:

Labcorp Genetics (formerly Invitae), Labcorp
Classification: Uncertain significance for Baller-Gerold syndrome. Last evaluated: 2024-12-13. Review status: criteria provided, single submitter. Criteria: Invitae Variant Classification Sherloc (09022015). Collection method: clinical testing. Allele origin: germline.
Comment: This sequence change replaces histidine, which is basic and polar, with tyrosine, which is neutral and polar, at codon 788 of the RECQL4 protein (p.His788Tyr). This variant is present in population databases (rs773864273, gnomAD 0.006%). This variant has not been reported in the literature in individuals affected with RECQL4-related conditions. ClinVar contains an entry for this variant (Variation ID: 579249). Invitae Evidence Modeling of protein sequence and biophysical properties (such as structural, functional, and spatial information, amino acid conservation, physicochemical variation, residue mobility, and thermodynamic stability) indicates that this missense variant is expected to disrupt RECQL4 protein function with a positive predictive value of 80%. In summary, the available evidence is currently insufficient to determine the role of this variant in disease. Therefore, it has been classified as a Variant of Uncertain Significance.